The following is an entry in ClinVar:

NM_003242.6(TGFBR2):c.103G>C (p.Asp35His)

Gene: TGFBR2 (transforming growth factor beta receptor 2; plus strand). Cytogenetic location: 3p24.1.
Variant type: single nucleotide variant.
Coding change: c.103G>C on transcript NM_003242.6 (MANE Select); coding-DNA position 103, G replaced by C.
Protein change: p.Asp35His; replaces aspartic acid 35 with histidine.
Molecular consequence: missense variant.
Genome position (GRCh38, 1-based): chr3:30,644,755, G>C. VCF-style: chr3-30644755-G-C. GRCh37 (hg19) VCF-style: chr3-30686247-G-C.
Other names: c.178G>C, p.Asp60His (NM_001024847.3, NM_001407126.1, NM_001407139.1); c.103G>C, p.Asp35His (NM_001407127.1, NM_001407130.1); c.130G>C, p.Asp44His (NM_001407128.1); c.-3G>C (NM_001407129.1, NM_001407132.1, NM_001407133.1 and 3 more transcripts); short protein forms D35H, D60H, D44H.
Identifiers: ClinVar variation 923682 (VCV000923682.9), dbSNP rs984098699, ClinGen allele CA351806307.
Genomic context (GRCh38, chr3:30,644,755, plus strand): 5'-CAGGCTGCCTGGCAGTTGGATAATCATTTAATATATCTTTCTCTCTCCTCAGTTAATAAC[G>C]ACATGATAGTCACTGACAACAACGGTGCAGTCAAGTTTCCACAACTGTGTAAATTTTGTG-3'
Protein context (NP_003233.4, residues 25-45): PPHVQKSVNN[Asp35His]MIVTDNNGAV

ClinVar aggregate classification (germline): Uncertain significance. Review status: criteria provided, multiple submitters, no conflicts (2 of 4 stars). 4 submissions from 4 submitters: Uncertain significance (4). Last evaluated 2026-07-02.

Conditions:
Familial thoracic aortic aneurysm and aortic dissection (TAAD). Also called: Thoracic aortic aneurysms and dissections. Identifiers: Orphanet 91387, MedGen C4707243, MONDO:0019625.
Loeys-Dietz syndrome 2 (LDS2). Also called: TGFBR2-Related Loeys-Dietz Syndrome; AORTIC ANEURYSM, FAMILIAL THORACIC 3; MARFAN SYNDROME, TYPE II; Marfan Syndrome type 2; Marfan like connective tissue disorder; MFS 2. Identifiers: Orphanet 284973, Orphanet 558, MedGen C2674574, MONDO:0012427, OMIM 610168.

gnomAD v4.1: 6 of 1,613,964 alleles (0.00037%); highest among the groups gnomAD compares: East Asian, 0.0045%; no homozygotes.

Submissions (4):

Ambry Genetics
Classification: Uncertain significance for Familial thoracic aortic aneurysm and aortic dissection. Last evaluated: 2026-07-02. Review status: criteria provided, single submitter. Criteria: Ambry Variant Classification Scheme 2023. Collection method: clinical testing. Allele origin: germline.
Comment: The p.D60H variant (also known as c.178G>C), located in coding exon 3 of the TGFBR2 gene, results from a G to C substitution at nucleotide position 178. The aspartic acid at codon 60 is replaced by histidine, an amino acid with similar properties. This amino acid position is conserved. In addition, this alteration is predicted to be tolerated by in silico analysis. Based on the available evidence, the clinical significance of this variant remains unclear.

Color Diagnostics, LLC DBA Color Health
Classification: Uncertain significance for Familial thoracic aortic aneurysm and aortic dissection. Last evaluated: 2024-03-07. Review status: criteria provided, single submitter. Criteria: ACMG Guidelines, 2015. Collection method: clinical testing. Allele origin: germline.
Comment: This missense variant replaces aspartic acid with histidine at codon 35 of the TGFBR2 protein. Computational prediction suggests that this variant may not impact protein structure and function (internally defined REVEL score threshold <= 0.5, PMID: 27666373). To our knowledge, functional studies have not been reported for this variant. This variant has not been reported in individuals affected with cardiovascular disorders in the literature. This variant has not been identified in the general population by the Genome Aggregation Database (gnomAD). The available evidence is insufficient to determine the role of this variant in disease conclusively. Therefore, this variant is classified as a Variant of Uncertain Significance.

All of Us Research Program, National Institutes of Health
Classification: Uncertain significance for Loeys-Dietz syndrome 2. Last evaluated: 2023-05-31. Review status: criteria provided, single submitter. Criteria: ACMG Guidelines, 2015. Collection method: clinical testing. Allele origin: germline. Inheritance: Autosomal dominant inheritance. Observed: 1 variant allele, 1 heterozygote.
Comment: This missense variant replaces aspartic acid with histidine at codon 35 of the TGFBR2 protein. Computational prediction suggests that this variant may not impact protein structure and function (internally defined REVEL score threshold <= 0.5, PMID: 27666373). To our knowledge, functional studies have not been reported for this variant. This variant has not been reported in individuals affected with cardiovascular disorders in the literature. This variant has not been identified in the general population by the Genome Aggregation Database (gnomAD). The available evidence is insufficient to determine the role of this variant in disease conclusively. Therefore, this variant is classified as a Variant of Uncertain Significance.

This study involves interpretation of variants in research participants for the purpose of population health screening. Participant phenotype was not available at the time of variant classification. Additional details can be found in publication PMID: 35346344, PMCID: PMC8962531

Labcorp Genetics (formerly Invitae), Labcorp
Classification: Uncertain significance for Familial thoracic aortic aneurysm and aortic dissection. Last evaluated: 2022-04-04. Review status: criteria provided, single submitter. Criteria: Invitae Variant Classification Sherloc (09022015). Collection method: clinical testing. Allele origin: germline.
Comment: ClinVar contains an entry for this variant (Variation ID: 923682). This sequence change replaces aspartic acid, which is acidic and polar, with histidine, which is basic and polar, at codon 35 of the TGFBR2 protein (p.Asp35His). This variant is not present in population databases (gnomAD no frequency). This variant has not been reported in the literature in individuals affected with TGFBR2-related conditions. Advanced modeling of protein sequence and biophysical properties (such as structural, functional, and spatial information, amino acid conservation, physicochemical variation, residue mobility, and thermodynamic stability) performed at Invitae indicates that this missense variant is not expected to disrupt TGFBR2 protein function. In summary, the available evidence is currently insufficient to determine the role of this variant in disease. Therefore, it has been classified as a Variant of Uncertain Significance.